The following is an entry in ClinVar:

NM_000548.5(TSC2):c.2661_2664del (p.Cys887fs)

Gene: TSC2 (TSC complex subunit 2; plus strand). Cytogenetic location: 16p13.3.
Variant type: Deletion.
Coding change: c.2661_2664del on transcript NM_000548.5 (MANE Select); coding-DNA positions 2661 to 2664, 4 bases deleted (TCTG; older notation c.2661_2664delTCTG).
Protein change: p.Cys887fs; shifts the reading frame from cysteine 887.
Molecular consequence: frameshift variant.
Genome position (GRCh38, 1-based): chr16:2,076,089-2,076,092, TCTG deleted; deleting any 4 consecutive bases within chr16:2,076,087-2,076,092 gives the same sequence; the c. name uses the placement nearest the transcript's 3' end. VCF-style (leftmost placement, unchanged base first): chr16-2076086-GTGTC-G. GRCh37 (hg19) VCF-style: chr16-2126087-GTGTC-G.
Other names: c.2661_2664del, p.Cys887fs (NM_001077183.3, NM_001114382.3, NM_001363528.2 and 3 more transcripts); c.2550_2553del, p.Cys850fs (NM_001318827.2); c.2514_2517del, p.Cys838fs (NM_001318829.2); c.2061_2064del, p.Cys687fs (NM_001318831.2); c.2694_2697del, p.Cys898fs (NM_001318832.2); short protein forms C850fs, C887fs, C898fs, C838fs, C687fs.
Identifiers: ClinVar variation 405955 (VCV000405955.6), dbSNP rs1060500914, ClinGen allele CA16615082.
Genomic context (GRCh38, chr16:2,076,086, plus strand): 5'-CCCTGCTGCCAGGATGGAGTGCCAGCCCCCTTCTCATCTCAGGTTTAATCAGTACATCGT[GTGTC>G]TGGCCCATCACGTCATAGCCATGTGGTTCATCAGGTGCCGCCTGCCCTTCCGGAAGGATT-3'

ClinVar aggregate classification (germline): Pathogenic (1 of 4 stars; one submission).

Conditions:
Tuberous sclerosis 2 (TSC2). Identifiers: Orphanet 805, MedGen C1860707, MONDO:0013199, OMIM 613254.

Submission:

Labcorp Genetics (formerly Invitae), Labcorp
Classification: Pathogenic for Tuberous sclerosis 2. Last evaluated: 2017-12-04. Review status: criteria provided, single submitter. Criteria: Invitae Variant Classification Sherloc (09022015). Collection method: clinical testing. Allele origin: germline.
Comment: For these reasons, this variant has been classified as Pathogenic. Loss-of-function variants in TSC2 are known to be pathogenic (PMID: 10205261, 17304050). This variant has not been reported in the literature in individuals with TSC2-related disease. ClinVar contains an entry for this variant (Variation ID: 405955). This variant is not present in population databases (ExAC no frequency). This sequence change creates a premature translational stop signal (p.Cys887Trpfs*6) in the TSC2 gene. It is expected to result in an absent or disrupted protein product.

Literature cited by the submitters: PubMed 10205261; PubMed 17304050.